The following is an entry in ClinVar:

ClinVar aggregate classification (germline): Uncertain significance. Review status: criteria provided, multiple submitters, no conflicts (2 of 4 stars). 2 submissions from 2 submitters: Uncertain significance (2). Last evaluated 2022-07-11.

Conditions:
Epileptic encephalopathy. Identifiers: MedGen C0543888, HP:0200134.

Allele frequency attached by ClinVar (database versions not stated): gnomAD exomes 0.00001; ExAC 0.00002; gnomAD 0.00003; TOPMed 0.00005.
gnomAD v4.1: 8 of 1,614,062 alleles (0.0005%); highest among the groups gnomAD compares: African/African-American, 0.0067%; no homozygotes.

Submissions (2):

Labcorp Genetics (formerly Invitae), Labcorp
Classification: Uncertain significance for Epileptic encephalopathy. Last evaluated: 2022-07-11. Review status: criteria provided, single submitter. Criteria: Invitae Variant Classification Sherloc (09022015). Collection method: clinical testing. Allele origin: germline.
Comment: In summary, the available evidence is currently insufficient to determine the role of this variant in disease. Therefore, it has been classified as a Variant of Uncertain Significance. Algorithms developed to predict the effect of missense changes on protein structure and function are either unavailable or do not agree on the potential impact of this missense change (SIFT: "Deleterious"; PolyPhen-2: "Benign"; Align-GVGD: "Class C0"). ClinVar contains an entry for this variant (Variation ID: 970909). This variant has not been reported in the literature in individuals affected with RYR3-related conditions. This variant is present in population databases (rs768262446, gnomAD 0.01%). This sequence change replaces valine, which is neutral and non-polar, with methionine, which is neutral and non-polar, at codon 1725 of the RYR3 protein (p.Val1725Met).

Ambry Genetics
Classification: Uncertain significance. Last evaluated: 2021-12-06. Review status: criteria provided, single submitter. Criteria: Ambry Variant Classification Scheme 2023. Collection method: clinical testing. Allele origin: germline.

NM_001036.6(RYR3):c.5173G>A (p.Val1725Met)

Gene: RYR3 (ryanodine receptor 3; plus strand). Cytogenetic location: 15q14.
Variant type: single nucleotide variant.
Coding change: c.5173G>A on transcript NM_001036.6 (MANE Select); coding-DNA position 5173, G replaced by A.
Protein change: p.Val1725Met; replaces valine 1725 with methionine.
Molecular consequence: missense variant.
Genome position (GRCh38, 1-based): chr15:33,662,703, G>A. VCF-style: chr15-33662703-G-A. GRCh37 (hg19) VCF-style: chr15-33954904-G-A.
Other names: c.5173G>A (NM_001036.3); c.5173G>A, p.Val1725Met (NM_001243996.4); short protein forms V1725M.
Identifiers: ClinVar variation 970909 (VCV000970909.11), dbSNP rs768262446, ClinGen allele CA7459196.